The following is an entry in ClinVar:

ClinVar aggregate classification (germline): Uncertain significance. Review status: criteria provided, multiple submitters, no conflicts (2 of 4 stars). 2 submissions from 2 submitters: Uncertain significance (2). Last evaluated 2025-11-16.

Conditions:
Cardiovascular phenotype. Identifiers: MedGen CN230736.
Progressive familial heart block type IB (PFHB1B). Identifiers: Orphanet 871, MedGen C1970298, MONDO:0011474, OMIM 604559.

Allele frequency attached by ClinVar (database versions not stated): ExAC 0.00001; gnomAD exomes 0.00002; gnomAD 0.00004; TOPMed 0.00004.
gnomAD v4.1: 14 of 1,614,064 alleles (0.00087%); highest among the groups gnomAD compares: African/African-American, 0.013%; no homozygotes.

Submissions (2):

Ambry Genetics
Classification: Uncertain significance for Cardiovascular phenotype. Last evaluated: 2025-11-16. Review status: criteria provided, single submitter. Criteria: Ambry Variant Classification Scheme 2023. Collection method: clinical testing. Allele origin: germline.
Comment: The p.A592V variant (also known as c.1775C>T), located in coding exon 13 of the TRPM4 gene, results from a C to T substitution at nucleotide position 1775. The alanine at codon 592 is replaced by valine, an amino acid with similar properties. This amino acid position is not well conserved in available vertebrate species. In addition, the in silico prediction for this alteration is inconclusive. Since supporting evidence is limited at this time, the clinical significance of this alteration remains unclear.

Labcorp Genetics (formerly Invitae), Labcorp
Classification: Uncertain significance for Progressive familial heart block type IB. Last evaluated: 2025-10-13. Review status: criteria provided, single submitter. Criteria: Invitae Variant Classification Sherloc (09022015). Collection method: clinical testing. Allele origin: germline.
Comment: This sequence change replaces alanine, which is neutral and non-polar, with valine, which is neutral and non-polar, at codon 592 of the TRPM4 protein (p.Ala592Val). This variant is present in population databases (rs777586166, gnomAD 0.01%). This variant has not been reported in the literature in individuals affected with TRPM4-related conditions. ClinVar contains an entry for this variant (Variation ID: 518507). An algorithm developed to predict the effect of missense changes on protein structure and function (PolyPhen-2) suggests that this variant is likely to be disruptive. In summary, the available evidence is currently insufficient to determine the role of this variant in disease. Therefore, it has been classified as a Variant of Uncertain Significance.

NM_017636.4(TRPM4):c.1775C>T (p.Ala592Val)

Gene: TRPM4 (transient receptor potential cation channel subfamily M member 4; plus strand). Cytogenetic location: 19q13.33.
Variant type: single nucleotide variant.
Coding change: c.1775C>T on transcript NM_017636.4 (MANE Select); coding-DNA position 1775, C replaced by T.
Protein change: p.Ala592Val; replaces alanine 592 with valine.
Molecular consequence: missense variant.
Genome position (GRCh38, 1-based): chr19:49,188,672, C>T. VCF-style: chr19-49188672-C-T. GRCh37 (hg19) VCF-style: chr19-49691929-C-T.
Other names: c.1253C>T, p.Ala418Val (NM_001321283.2); c.713C>T, p.Ala238Val (NM_001321285.2); c.1775C>T, p.Ala592Val (NM_001195227.2); c.1430C>T, p.Ala477Val (NM_001321281.2); c.167C>T, p.Ala56Val (NM_001321282.2); short protein forms A592V, A418V, A238V, A477V, A56V.
Identifiers: ClinVar variation 518507 (VCV000518507.10), dbSNP rs777586166, ClinGen allele CA9569319.